The following is an entry in ClinVar:

ClinVar aggregate classification (germline): Pathogenic (1 of 4 stars; one submission).

Conditions:
Hereditary spastic paraplegia 11. Also called: Spastic Paraplegia 11; Spastic paraplegia, mental retardation and thin corpus callosum; Nakamura Osame syndrome; Autosomal recessive hereditary spastic paraplegia, mental impairment, and thin corpus callosum; SPASTIC PARAPLEGIA, AUTOSOMAL RECESSIVE, COMPLICATED, WITH THIN CORPUS CALLOSUM; SPASTIC PARAPLEGIA, AUTOSOMAL RECESSIVE, WITH MENTAL IMPAIRMENT AND THIN CORPUS CALLOSUM. Identifiers: Orphanet 2822, MedGen C1858479, MONDO:0011445, OMIM 604360.

Submission:

Labcorp Genetics (formerly Invitae), Labcorp
Classification: Pathogenic for Hereditary spastic paraplegia 11. Last evaluated: 2022-04-13. Review status: criteria provided, single submitter. Criteria: Invitae Variant Classification Sherloc (09022015). Collection method: clinical testing. Allele origin: germline.
Comment: For these reasons, this variant has been classified as Pathogenic. This variant has not been reported in the literature in individuals affected with SPG11-related conditions. This variant is not present in population databases (gnomAD no frequency). This sequence change creates a premature translational stop signal (p.Gln1400*) in the SPG11 gene. It is expected to result in an absent or disrupted protein product. Loss-of-function variants in SPG11 are known to be pathogenic (PMID: 19105190, 20110243, 22154821, 26556829).

Literature cited by the submitters: PubMed 19105190; PubMed 20110243; PubMed 22154821; PubMed 26556829.

NM_025137.4(SPG11):c.4198C>T (p.Gln1400Ter)

Genes: SPG11 (SPG11 vesicle trafficking associated, spatacsin; minus strand), LOC130056973 (ATAC-STARR-seq lymphoblastoid active region 9341; plus strand). Cytogenetic location: 15q21.1.
Variant type: single nucleotide variant.
Coding change: c.4198C>T on transcript NM_025137.4 (MANE Select); coding-DNA position 4198, C replaced by T.
Protein change: p.Gln1400Ter; replaces glutamine 1400 with a stop codon.
Molecular consequence: nonsense.
Genome position (GRCh38, 1-based): chr15:44,596,319, G>A on the plus strand (C>T on the coding strand, the complement: SPG11 is on the minus strand). VCF-style: chr15-44596319-G-A. GRCh37 (hg19) VCF-style: chr15-44888517-G-A.
Other names: c.4198C>T, p.Gln1400Ter (NM_001160227.2, NM_001411132.1); short protein forms Q1400*.
Identifiers: ClinVar variation 2125904 (VCV002125904.4), dbSNP rs1482197593, ClinGen allele CA392228515.